The following is an entry in ClinVar:

ClinVar aggregate classification (germline): Likely benign. Review status: criteria provided, single submitter (1 of 4 stars). 2 submissions from 2 submitters: Likely benign (1). 1 of the submissions does not count toward it. Last evaluated 2026-01-20.

Conditions:
FRAS1-related disorder. Also called: FRAS1-related condition.

Allele frequency attached by ClinVar (database versions not stated): gnomAD 0.00001; ExAC 0.00002; gnomAD exomes 0.00002; TOPMed 0.00002; ESP Exome Variant Server 0.00016.
gnomAD v4.1: 27 of 1,613,736 alleles (0.0017%); highest among the groups gnomAD compares: Middle Eastern, 0.13%; no homozygotes.

Submissions (2):

Labcorp Genetics (formerly Invitae), Labcorp
Classification: Likely benign. Last evaluated: 2026-01-20. Review status: criteria provided, single submitter. Criteria: Invitae Variant Classification Sherloc (09022015). Collection method: clinical testing. Allele origin: germline.

PreventionGenetics, part of Exact Sciences
Classification: Likely benign for FRAS1-related condition. Last evaluated: 2024-07-15. Review status: no assertion criteria provided. Collection method: clinical testing. Allele origin: germline. Not counted in ClinVar's aggregate classification.
Comment: This variant is classified as likely benign based on ACMG/AMP sequence variant interpretation guidelines (Richards et al. 2015 PMID: 25741868, with internal and published modifications).

NM_025074.7(FRAS1):c.1256-9T>G

Gene: FRAS1 (Fraser extracellular matrix complex subunit 1; plus strand). Cytogenetic location: 4q21.21.
Variant type: single nucleotide variant.
Coding change: c.1256-9T>G on transcript NM_025074.7 (MANE Select); 9 bases into the intron before coding-DNA position 1256, T replaced by G.
Molecular consequence: intron variant.
Genome position (GRCh38, 1-based): chr4:78,284,396, T>G. VCF-style: chr4-78284396-T-G. GRCh37 (hg19) VCF-style: chr4-79205550-T-G.
Other names: c.1256-9T>G (NM_001166133.2).
Identifiers: ClinVar variation 779330 (VCV000779330.8), dbSNP rs374243151, ClinGen allele CA2976242.